The following is an entry in ClinVar:

NM_005204.4(MAP3K8):c.1330C>T (p.Leu444Phe)

Gene: MAP3K8 (mitogen-activated protein kinase kinase kinase 8; plus strand). Cytogenetic location: 10p11.23.
Variant type: single nucleotide variant.
Coding change: c.1330C>T on transcript NM_005204.4 (MANE Select); coding-DNA position 1330, C replaced by T.
Protein change: p.Leu444Phe; replaces leucine 444 with phenylalanine.
Molecular consequence: missense variant.
Genome position (GRCh38, 1-based): chr10:30,460,762, C>T. VCF-style: chr10-30460762-C-T. GRCh37 (hg19) VCF-style: chr10-30749691-C-T.
Other names: c.1330C>T, p.Leu444Phe (NM_001244134.1, NM_001320961.2); short protein forms L444F.
Identifiers: ClinVar variation 4713707 (VCV004713707.1).

ClinVar aggregate classification (germline): Uncertain significance (1 of 4 stars; one submission).

Submission:

Labcorp Genetics (formerly Invitae), Labcorp
Classification: Uncertain significance. Last evaluated: 2025-02-23. Review status: criteria provided, single submitter. Criteria: Invitae Variant Classification Sherloc (09022015). Collection method: clinical testing. Allele origin: germline.
Comment: This sequence change replaces leucine, which is neutral and non-polar, with phenylalanine, which is neutral and non-polar, at codon 444 of the MAP3K8 protein (p.Leu444Phe). This variant is not present in population databases (gnomAD no frequency). This variant has not been reported in the literature in individuals affected with MAP3K8-related conditions. An algorithm developed to predict the effect of missense changes on protein structure and function (PolyPhen-2) suggests that this variant is likely to be disruptive. In summary, the available evidence is currently insufficient to determine the role of this variant in disease. Therefore, it has been classified as a Variant of Uncertain Significance.